The following is an entry in ClinVar:

ClinVar aggregate classification (germline): Pathogenic (1 of 4 stars; one submission).

Conditions:
Familial cancer of breast. Also called: Hereditary breast cancer; BREAST CANCER, FAMILIAL; hereditary breast carcinoma. Identifiers: Orphanet 227535, MedGen C0346153, MONDO:0016419, OMIM 114480. Disease mechanism: loss of function.

Submission:

Myriad Genetics, Inc.
Classification: Pathogenic for Familial cancer of breast. Last evaluated: 2024-11-20. Review status: criteria provided, single submitter. Criteria: Myriad Autosomal Dominant, Autosomal Recessive and X-Linked Classification Criteria (2023). Collection method: clinical testing. Allele origin: unknown.
Comment: This variant is considered pathogenic. This variant creates a frameshift predicted to result in premature protein truncation.

NM_000051.4(ATM):c.3024_3025dup (p.Glu1009fs)

Gene: ATM (ATM serine/threonine kinase; plus strand). Cytogenetic location: 11q22.3.
Variant type: Duplication.
Coding change: c.3024_3025dup on transcript NM_000051.4 (MANE Select); coding-DNA positions 3024 to 3025, 2 bases duplicated (TG; older notation c.3024_3025dupTG).
Protein change: p.Glu1009fs; shifts the reading frame from glutamic acid 1009.
Molecular consequence: frameshift variant.
Genome position (GRCh38, 1-based): chr11:108,271,353-108,271,354, TG duplicated. VCF-style (leftmost placement, unchanged base first): chr11-108271352-C-CTG. GRCh37 (hg19) VCF-style: chr11-108142079-C-CTG.
Other names: c.3024_3025dup, p.Glu1009fs (NM_001351834.2); short protein forms E1009fs.
Identifiers: ClinVar variation 3773529 (VCV003773529.1).
Genomic context (GRCh38, chr11:108,271,352, plus strand): 5'-AAACTATTTTAAACCATGTCCTTCATGTAGTGAAAAACCTAGGTCAAAGCAATATGGACT[C>CTG]TGAGAACACAAGGGATGCTCAAGGACAGTTTCTTACAGTAATTGGAGCATTTTGGTAGGT-3'